The following is an entry in ClinVar:

NM_000535.7(PMS2):c.1580G>T (p.Arg527Met)

Gene: PMS2 (PMS1 homolog 2, mismatch repair system component; minus strand). Cytogenetic location: 7p22.1.
Variant type: single nucleotide variant.
Coding change: c.1580G>T on transcript NM_000535.7 (MANE Select); coding-DNA position 1580, G replaced by T.
Protein change: p.Arg527Met; replaces arginine 527 with methionine.
Molecular consequence: missense variant. On other transcripts: non-coding transcript variant (1).
Genome position (GRCh38, 1-based): chr7:5,987,185, C>A on the plus strand (G>T on the coding strand, the complement: PMS2 is on the minus strand). VCF-style: chr7-5987185-C-A. GRCh37 (hg19) VCF-style: chr7-6026816-C-A.
Other names: c.1175G>T, p.Arg392Met (NM_001406892.1, NM_001406893.1, NM_001406894.1 and 17 more transcripts); c.1115G>T, p.Arg372Met (NM_001406900.1); c.1106G>T, p.Arg369Met (NM_001406901.1, NM_001406902.1); c.1262G>T, p.Arg421Met (NM_001406903.1, NM_001322007.2, NM_001322008.2 and 2 more transcripts); c.1067G>T, p.Arg356Met (NM_001406904.1, NM_001406905.1); c.1019G>T, p.Arg340Met (NM_001406906.1, NM_001406907.1, NM_001322010.2); c.1007G>T, p.Arg336Met (NM_001406909.1, NM_001322013.2); c.809G>T, p.Arg270Met (NM_001406911.1); and 12 more; short protein forms R270M, R340M, R421M, R475M, R527M, R535M, R216M, R336M.
Identifiers: ClinVar variation 1775693 (VCV001775693.2), dbSNP rs1783042729, ClinGen allele CA366741554.

ClinVar aggregate classification (germline): Uncertain significance (1 of 4 stars; one submission).

Conditions:
Hereditary cancer-predisposing syndrome. Also called: Neoplastic Syndromes, Hereditary; Tumor predisposition; Hereditary Cancer Syndrome; Hereditary neoplastic syndrome. Identifiers: Orphanet 140162, MedGen C0027672, MeSH D009386, MONDO:0015356.

Submission:

Ambry Genetics
Classification: Uncertain significance for Hereditary cancer-predisposing syndrome. Last evaluated: 2020-05-27. Review status: criteria provided, single submitter. Criteria: Ambry Variant Classification Scheme 2023. Collection method: clinical testing. Allele origin: germline.
Comment: The p.R527M variant (also known as c.1580G>T), located in coding exon 11 of the PMS2 gene, results from a G to T substitution at nucleotide position 1580. The arginine at codon 527 is replaced by methionine, an amino acid with similar properties. This amino acid position is poorly conserved in available vertebrate species. In addition, this alteration is predicted to be tolerated by in silico analysis. Since supporting evidence is limited at this time, the clinical significance of this alteration remains unclear.